The following is an entry in ClinVar:

NM_007137.5(ZNF81):c.1495A>G (p.Ile499Val)

Gene: ZNF81 (zinc finger protein 81; plus strand). Cytogenetic location: Xp11.23.
Variant type: single nucleotide variant.
Coding change: c.1495A>G on transcript NM_007137.5 (MANE Select); coding-DNA position 1495, A replaced by G.
Protein change: p.Ile499Val; replaces isoleucine 499 with valine.
Molecular consequence: missense variant. On other transcripts: intron variant (2).
Genome position (GRCh38, 1-based): chrX:47,916,141, A>G. VCF-style: chrX-47916141-A-G. GRCh37 (hg19) VCF-style: chrX-47775540-A-G.
Other names: c.1495A>G, p.Ile499Val (NM_001378152.1, NM_001378153.1); c.278-7783A>G (NM_001378154.1); c.278-5167A>G (NM_001378155.1); short protein forms I499V.
Identifiers: ClinVar variation 212695 (VCV000212695.12), dbSNP rs182239885, ClinGen allele CA206938.
Genomic context (GRCh38, chrX:47,916,141, plus strand): 5'-TTCCCTTCTAAGTCACAACTCCAGATGCATAAGAGAATTCATACAGGAGAGAAACCCTAT[A>G]TATGCACTGAATGTGGGAAGGCTTTCACCAACAGGTCAAATCTCAATACTCACCAGAAGT-3'
Protein context (NP_009068.2, residues 489-509): KRIHTGEKPY[Ile499Val]CTECGKAFTN

ClinVar aggregate classification (germline): Benign/Likely benign. Review status: criteria provided, multiple submitters, no conflicts (2 of 4 stars). 6 submissions from 6 submitters: Benign (1); Likely benign (3). 2 of the submissions do not count toward it. Last evaluated 2024-11-25.

Allele frequency attached by ClinVar (database versions not stated): 1000 Genomes Project 30x 0.00042; 1000 Genomes Project 0.00053; ExAC 0.00391; gnomAD 0.00404 and 0.00407; TOPMed 0.00413; ESP Exome Variant Server 0.00418; gnomAD exomes 0.00428 and 0.00451.
gnomAD v4.1: 5,204 of 1,210,032 alleles (0.43%); highest among the groups gnomAD compares: Middle Eastern, 1.2%; 22 homozygotes.

Submissions (6):

Blueprint Genetics
Classification: Likely benign. Last evaluated: 2024-11-25. Review status: criteria provided, single submitter. Criteria: ACMG Guidelines, 2015. Collection method: clinical testing. Allele origin: germline.

Genetic Services Laboratory, University of Chicago
Classification: Benign. Last evaluated: 2017-12-12. Review status: criteria provided, single submitter. Criteria: ACMG Guidelines, 2015. Collection method: clinical testing. Allele origin: germline. Affected: no.

Center for Pediatric Genomic Medicine, Children's Mercy Hospital and Clinics
Classification: Likely benign. Last evaluated: 2017-01-10. Review status: criteria provided, single submitter. Criteria: ACMG Guidelines, 2015. Collection method: clinical testing. Allele origin: germline.
ClinVar note: Converted during submission from Likely Benign to Likely benign.

Breakthrough Genomics
Classification: Likely benign. Review status: criteria provided, single submitter. Criteria: ACMG Guidelines, 2015. Collection method: not provided. Allele origin: germline. Inheritance: Unknown mechanism. Affected: yes.

Clinical Genetics DNA and cytogenetics Diagnostics Lab, Erasmus MC, Erasmus Medical Center
Classification: Likely benign. Review status: no assertion criteria provided. Collection method: clinical testing. Allele origin: germline. Affected: yes. Study: VKGL Data-share Consensus. Not counted in ClinVar's aggregate classification.

Laboratory of Diagnostic Genome Analysis, Leiden University Medical Center (LUMC)
Classification: Likely benign. Review status: no assertion criteria provided. Collection method: clinical testing. Allele origin: germline. Affected: yes. Study: VKGL Data-share Consensus. Not counted in ClinVar's aggregate classification.